The following is an entry in ClinVar:

ClinVar aggregate classification (germline): Uncertain significance (1 of 4 stars; one submission).

gnomAD v4.1: 3 of 1,613,238 alleles (0.00019%); highest among the groups gnomAD compares: Non-Finnish European, 0.00025%; no homozygotes.

Submission:

CeGaT Center for Human Genetics Tuebingen
Classification: Uncertain significance. Last evaluated: 2023-05-01. Review status: criteria provided, single submitter. Criteria: CeGaT Center For Human Genetics Tuebingen Variant Classification Criteria Version 2. Collection method: clinical testing. Allele origin: germline. Affected: yes. Observed: 1 variant allele.
Comment: HECW2: PM2, PP2, BP4

NM_001348768.2(HECW2):c.373A>T (p.Ile125Phe)

Gene: HECW2 (HECT, C2 and WW domain containing E3 ubiquitin protein ligase 2; minus strand). Cytogenetic location: 2q32.3.
Variant type: single nucleotide variant.
Coding change: c.373A>T on transcript NM_001348768.2 (MANE Select); coding-DNA position 373, A replaced by T.
Protein change: p.Ile125Phe; replaces isoleucine 125 with phenylalanine.
Molecular consequence: missense variant. On other transcripts: 5 prime UTR variant (1).
Genome position (GRCh38, 1-based): chr2:196,343,684, T>A on the plus strand (A>T on the coding strand, the complement: HECW2 is on the minus strand). VCF-style: chr2-196343684-T-A. GRCh37 (hg19) VCF-style: chr2-197208408-T-A.
Other names: c.-524A>T (NM_001304840.3); c.373A>T, p.Ile125Phe (NM_020760.4); short protein forms I125F.
Identifiers: ClinVar variation 2651791 (VCV002651791.24), dbSNP rs1692846179, ClinGen allele CA350010452.
Genomic context (GRCh38, chr2:196,343,684, plus strand): 5'-TAATAAGTTTATATTTCACACTTAGTTACTTACGTTCCATGAAATAGGGCCCAGGCTCAA[T>A]TCTCCATACAATTTGCCCTTTTTGTGTTCCAGTCACACCCCTGTTCTTAGAATCCCAGAA-3'
Protein context (NP_001335697.1, residues 115-135): GTQKGQIVWR[Ile125Phe]EPGPYFMEPE